The following is an entry in ClinVar:

NM_017777.4(MKS1):c.955G>T (p.Val319Phe)

Gene: MKS1 (MKS transition zone complex subunit 1; minus strand). Cytogenetic location: 17q22.
Variant type: single nucleotide variant.
Coding change: c.955G>T on transcript NM_017777.4 (MANE Select); coding-DNA position 955, G replaced by T.
Protein change: p.Val319Phe; replaces valine 319 with phenylalanine.
Molecular consequence: missense variant.
Genome position (GRCh38, 1-based): chr17:58,210,983, C>A on the plus strand (G>T on the coding strand, the complement: MKS1 is on the minus strand). VCF-style: chr17-58210983-C-A. GRCh37 (hg19) VCF-style: chr17-56288344-C-A.
Other names: c.346G>T, p.Val116Phe (NM_001321268.2); c.955G>T, p.Val319Phe (NM_001321269.2, NM_001330397.2, NM_001411113.1); short protein forms V116F, V319F.
Identifiers: ClinVar variation 2629007 (VCV002629007.3), dbSNP rs1393510784, ClinGen allele CA400326101.
Genomic context (GRCh38, chr17:58,210,983, plus strand): 5'-AGCTCCATCTAGGCACGTGCCTAAGCATCAAGAGATCTATGCTAGCAAGACACTTACCGA[C>A]CTCTCCATTTACAAAGAGCCGGAGGGCACCTGGGACAGTCTAAGGTGAAGAGAAGTGGGA-3'
Protein context (NP_060247.2, residues 309-329): GALRLFVNGE[Val319Phe]VSAQGYEYDN

ClinVar aggregate classification (germline): Uncertain significance. Review status: criteria provided, multiple submitters, no conflicts (2 of 4 stars). 2 submissions from 2 submitters: Uncertain significance (2). Last evaluated 2025-09-03.

Conditions:
MKS1-related disorder. Also called: MKS1-related disorders; MKS1-related condition. Identifiers: MedGen CN239382.
Joubert syndrome 28 (JBTS28). Identifiers: MedGen C4310705, MONDO:0014928, OMIM 617121.
Bardet-Biedl syndrome 13 (BBS13). Identifiers: Orphanet 110, MedGen C2673873, MONDO:0014441, OMIM 615990.
Meckel syndrome, type 1 (MKS1). Also called: MECKEL-GRUBER SYNDROME, TYPE 1. Identifiers: Orphanet 564, MedGen C3714506, MONDO:0009571, OMIM 249000.

Allele frequency attached by ClinVar (database versions not stated): TOPMed 0.00001.
gnomAD v4.1: 1 of 1,613,990 alleles (0.000062%); highest among the groups gnomAD compares: Admixed American, 0.0017%; no homozygotes.

Submissions (2):

PreventionGenetics, part of Exact Sciences
Classification: Uncertain significance for MKS1-related condition. Last evaluated: 2025-09-03. Review status: criteria provided, single submitter. Criteria: ACMG Guidelines, 2015. Collection method: clinical testing. Allele origin: germline.
Comment: The MKS1 c.955G>T variant is predicted to result in the amino acid substitution p.Val319Phe. To our knowledge, this variant has not been reported in the literature or in a large population database (gnomAD), indicating this variant is rare. At this time, the clinical significance of this variant is uncertain due to the absence of conclusive functional and genetic evidence.

Fulgent Genetics
Classification: Uncertain significance for Meckel syndrome, type 1; Bardet-Biedl syndrome 13; Joubert syndrome 28. Last evaluated: 2024-03-04. Review status: criteria provided, single submitter. Criteria: ACMG Guidelines, 2015. Collection method: clinical testing. Allele origin: germline.